The following is an entry in ClinVar:

NM_153000.5(APCDD1):c.865A>G (p.Ile289Val)

Gene: APCDD1 (APC down-regulated 1; plus strand). Cytogenetic location: 18p11.22.
Variant type: single nucleotide variant.
Coding change: c.865A>G on transcript NM_153000.5 (MANE Select); coding-DNA position 865, A replaced by G.
Protein change: p.Ile289Val; replaces isoleucine 289 with valine.
Molecular consequence: missense variant.
Genome position (GRCh38, 1-based): chr18:10,485,552, A>G. VCF-style: chr18-10485552-A-G. GRCh37 (hg19) VCF-style: chr18-10485549-A-G.
Other names: short protein forms I289V.
Identifiers: ClinVar variation 2056883 (VCV002056883.18), dbSNP rs114821361, ClinGen allele CA8891147.

ClinVar aggregate classification (germline): Benign/Likely benign. Review status: criteria provided, multiple submitters, no conflicts (2 of 4 stars). 2 submissions from 2 submitters: Benign (1); Likely benign (1). Last evaluated 2025-10-13.

Allele frequency attached by ClinVar (database versions not stated): ExAC 0.00208; gnomAD 0.00208; ESP Exome Variant Server 0.00077; 1000 Genomes Project 30x 0.00078; 1000 Genomes Project 0.00100; TOPMed 0.00122; gnomAD exomes 0.00202.
gnomAD v4.1: 3,274 of 1,614,136 alleles (0.2%); highest among the groups gnomAD compares: Non-Finnish European, 0.16%; 20 homozygotes.

Submissions (2):

Labcorp Genetics (formerly Invitae), Labcorp
Classification: Benign. Last evaluated: 2025-10-13. Review status: criteria provided, single submitter. Criteria: Invitae Variant Classification Sherloc (09022015). Collection method: clinical testing. Allele origin: germline.

CeGaT Center for Human Genetics Tuebingen
Classification: Likely benign. Last evaluated: 2024-10-01. Review status: criteria provided, single submitter. Criteria: CeGaT Center For Human Genetics Tuebingen Variant Classification Criteria Version 2. Collection method: clinical testing. Allele origin: germline. Affected: yes. Observed: 1 variant allele.
Comment: APCDD1: BP4, BS2